The following is an entry in ClinVar:

ClinVar aggregate classification (germline): Uncertain significance (1 of 4 stars; one submission).

Submission:

GeneDx
Classification: Uncertain significance. Last evaluated: 2022-10-17. Review status: criteria provided, single submitter. Criteria: GeneDx Variant Classification Process June 2021. Collection method: clinical testing. Allele origin: germline. Affected: yes.
Comment: Not observed at significant frequency in large population cohorts (gnomAD); In silico analysis supports that this missense variant has a deleterious effect on protein structure/function; Has not been previously published as pathogenic or benign to our knowledge

NM_173630.4(RTTN):c.2551G>C (p.Ala851Pro)

Gene: RTTN (rotatin; minus strand). Cytogenetic location: 18q22.2.
Variant type: single nucleotide variant.
Coding change: c.2551G>C on transcript NM_173630.4 (MANE Select); coding-DNA position 2551, G replaced by C.
Protein change: p.Ala851Pro; replaces alanine 851 with proline.
Molecular consequence: missense variant. On other transcripts: 5 prime UTR variant (1).
Genome position (GRCh38, 1-based): chr18:70,142,318, C>G on the plus strand (G>C on the coding strand, the complement: RTTN is on the minus strand). VCF-style: chr18-70142318-C-G. GRCh37 (hg19) VCF-style: chr18-67809554-C-G.
Other names: c.-97G>C (NM_001318520.2); short protein forms A851P.
Identifiers: ClinVar variation 2499238 (VCV002499238.1), dbSNP rs2512623823, ClinGen allele CA402692245.
Genomic context (GRCh38, chr18:70,142,318, plus strand): 5'-ACAGCAATCATTTCCCTTAAAAGACATTACCTTGCATAATCACAGCTAACTGTTCAGCAG[C>G]TGACTTTCTCAAAACGAGATCAACATCATCTGAGGTGAAGATTTCATATACCTTTTCAAC-3'
Protein context (NP_775901.3, residues 841-861): DDVDLVLRKS[Ala851Pro]AEQLAVIMQD